The following is an entry in ClinVar:

ClinVar aggregate classification (germline): Conflicting classifications of pathogenicity. Review status: criteria provided, conflicting classifications (1 of 4 stars). 3 submissions from 3 submitters: Uncertain significance (2); Likely benign (1). Last evaluated 2026-06-12.

Conditions:
Hereditary cancer-predisposing syndrome. Also called: Tumor predisposition; Hereditary neoplastic syndrome; Neoplastic Syndromes, Hereditary; Hereditary Cancer Syndrome. Identifiers: Orphanet 140162, MedGen C0027672, MeSH D009386, MONDO:0015356.
Hereditary diffuse gastric adenocarcinoma (HDGC). Also called: DIFFUSE GASTRIC AND LOBULAR BREAST CANCER SYNDROME. Identifiers: Orphanet 26106, MedGen C1708349, MONDO:0007648, OMIM 137215.

Allele frequency attached by ClinVar (database versions not stated): TOPMed below 0.00001; gnomAD 0.00001.
gnomAD v4.1: 1 of 1,612,932 alleles (0.000062%); highest among the groups gnomAD compares: Admixed American, 0.0017%; no homozygotes.

Submissions (3):

Ambry Genetics
Classification: Likely benign for Hereditary cancer-predisposing syndrome. Last evaluated: 2026-06-12. Review status: criteria provided, single submitter. Criteria: Ambry Variant Classification Scheme 2023. Collection method: clinical testing. Allele origin: germline.

Labcorp Genetics (formerly Invitae), Labcorp
Classification: Uncertain significance for Hereditary diffuse gastric adenocarcinoma. Last evaluated: 2024-09-29. Review status: criteria provided, single submitter. Criteria: Invitae Variant Classification Sherloc (09022015). Collection method: clinical testing. Allele origin: germline.
Comment: This sequence change replaces isoleucine, which is neutral and non-polar, with methionine, which is neutral and non-polar, at codon 651 of the CDH1 protein (p.Ile651Met). This variant is not present in population databases (gnomAD no frequency). This variant has not been reported in the literature in individuals affected with CDH1-related conditions. ClinVar contains an entry for this variant (Variation ID: 479525). An algorithm developed to predict the effect of missense changes on protein structure and function (PolyPhen-2) suggests that this variant is likely to be tolerated. In summary, the available evidence is currently insufficient to determine the role of this variant in disease. Therefore, it has been classified as a Variant of Uncertain Significance.

Color Diagnostics, LLC DBA Color Health
Classification: Uncertain significance for Hereditary cancer-predisposing syndrome. Last evaluated: 2023-12-04. Review status: criteria provided, single submitter. Criteria: ACMG Guidelines, 2015. Collection method: clinical testing. Allele origin: germline.
Comment: This missense variant replaces isoleucine with methionine at codon 651 of the CDH1 protein. To our knowledge, functional studies have not been reported for this variant. This variant has not been reported in individuals affected with hereditary cancer in the literature. This variant has not been identified in the general population by the Genome Aggregation Database (gnomAD). The available evidence is insufficient to determine the role of this variant in disease conclusively. Therefore, this variant is classified as a Variant of Uncertain Significance.

NM_004360.5(CDH1):c.1953T>G (p.Ile651Met)

Gene: CDH1 (cadherin 1; plus strand). Cytogenetic location: 16q22.1.
Variant type: single nucleotide variant.
Coding change: c.1953T>G on transcript NM_004360.5 (MANE Select); coding-DNA position 1953, T replaced by G.
Protein change: p.Ile651Met; replaces isoleucine 651 with methionine.
Molecular consequence: missense variant. On other transcripts: 5 prime UTR variant (1).
Genome position (GRCh38, 1-based): chr16:68,823,415, T>G. VCF-style: chr16-68823415-T-G. GRCh37 (hg19) VCF-style: chr16-68857318-T-G.
Other names: c.1770T>G, p.Ile590Met (NM_001317184.2); c.405T>G, p.Ile135Met (NM_001317185.2); c.-13T>G (NM_001317186.2); c.1953T>G (LRG_301t1); short protein forms I651M, I590M, I135M.
Identifiers: ClinVar variation 479525 (VCV000479525.16), dbSNP rs1555517083, ClinGen allele CA396467531.